The following is an entry in ClinVar:

ClinVar aggregate classification (germline): Likely benign (1 of 4 stars; one submission).

gnomAD v4.1: 9 of 1,614,094 alleles (0.00056%); highest among the groups gnomAD compares: Admixed American, 0.01%; no homozygotes.

Submission:

CeGaT Center for Human Genetics Tuebingen
Classification: Likely benign. Last evaluated: 2026-06-01. Review status: criteria provided, single submitter. Criteria: CeGaT Center For Human Genetics Tuebingen Variant Classification Criteria Version 2. Collection method: clinical testing. Allele origin: germline. Affected: yes. Observed: 1 variant allele.
Comment: TRIP12: BS2

NM_001348323.3(TRIP12):c.737C>G (p.Ser246Cys)

Gene: TRIP12 (thyroid hormone receptor interactor 12; minus strand). Cytogenetic location: 2q36.3.
Variant type: single nucleotide variant.
Coding change: c.737C>G on transcript NM_001348323.3 (MANE Select); coding-DNA position 737, C replaced by G.
Protein change: p.Ser246Cys; replaces serine 246 with cysteine.
Molecular consequence: missense variant. On other transcripts: intron variant (1).
Genome position (GRCh38, 1-based): chr2:229,859,062, G>C on the plus strand (C>G on the coding strand, the complement: TRIP12 is on the minus strand). VCF-style: chr2-229859062-G-C. GRCh37 (hg19) VCF-style: chr2-230723778-G-C.
Other names: c.737C>G, p.Ser246Cys (NM_001348324.2, NM_001348325.2, NM_001348326.2 and 15 more transcripts); c.611C>G, p.Ser204Cys (NM_001348331.1, NM_001284215.2, NM_001348316.2 and 3 more transcripts); c.98+20920C>G (NM_001284216.2); short protein forms S204C, S246C.
Identifiers: ClinVar variation 4872741 (VCV004872741.2).